The following is an entry in ClinVar:

ClinVar aggregate classification (germline): Pathogenic. Review status: criteria provided, multiple submitters, no conflicts (2 of 4 stars). 10 submissions from 10 submitters: Pathogenic (10). Last evaluated 2025-07-17.

Conditions:
Paediatric disorders.
SPG7-related disorder. Also called: SPG7-related condition.
Hereditary spastic paraplegia. Also called: Familial spastic paraparesis. Identifiers: Orphanet 685, MedGen C0037773, MONDO:0019064. Disease mechanism: loss of function.
Hereditary spastic paraplegia 7 (SPG7). Also called: SPG7-related neurologic disorder; SPASTIC PARAPLEGIA 7, AUTOSOMAL RECESSIVE, WITH OR WITHOUT CEREBELLAR ATAXIA; Spastic paraplegia 7; Hereditary spastic paraplegia Paraplegin type; Autosomal recessive spastic paraplegia type 7. Identifiers: Orphanet 99013, MedGen C1846564, MONDO:0011803, OMIM 607259.

Allele frequency attached by ClinVar (database versions not stated): gnomAD 0.00003; TOPMed 0.00003; gnomAD exomes 0.00005 and 0.00008; ExAC 0.00012.
gnomAD v4.1: 70 of 1,613,936 alleles (0.0043%); highest among the groups gnomAD compares: East Asian, 0.011%; no homozygotes.

Submissions (10):

North West Genomic Laboratory Hub, Manchester University NHS Foundation Trust
Classification: Pathogenic for Paediatric disorders. Last evaluated: 2025-07-17. Review status: criteria provided, single submitter. Criteria: ACGS Best Practice Guidelines for Variant Classification in Rare Disease 2024. Collection method: clinical testing. Allele origin: germline. Affected: yes.
Comment: PVS1_VStr PM2_Mod PM3_Mod

Labcorp Genetics (formerly Invitae), Labcorp
Classification: Pathogenic for Hereditary spastic paraplegia 7. Last evaluated: 2024-12-13. Review status: criteria provided, single submitter. Criteria: Invitae Variant Classification Sherloc (09022015). Collection method: clinical testing. Allele origin: germline.
Comment: This sequence change creates a premature translational stop signal (p.Arg213*) in the SPG7 gene. It is expected to result in an absent or disrupted protein product. Loss-of-function variants in SPG7 are known to be pathogenic (PMID: 21623769, 22964162). This variant is present in population databases (rs774774648, gnomAD 0.04%). This premature translational stop signal has been observed in individual(s) with clinical features of hereditary spastic paraplegia (PMID: 30098094). ClinVar contains an entry for this variant (Variation ID: 285368). For these reasons, this variant has been classified as Pathogenic.

Fulgent Genetics
Classification: Pathogenic for Hereditary spastic paraplegia 7. Last evaluated: 2024-05-13. Review status: criteria provided, single submitter. Criteria: ACMG Guidelines, 2015. Collection method: clinical testing. Allele origin: germline.

GeneDx
Classification: Pathogenic. Last evaluated: 2023-12-18. Review status: criteria provided, single submitter. Criteria: GeneDx Variant Classification Process June 2021. Collection method: clinical testing. Allele origin: germline. Affected: yes.
Comment: Identified in an individual with ataxia who harbored a second pathogenic SPG7 variant (PMID: 30098094); Identified in two individuals with cerebellar atrophy, one of whom was described to harbor a second pathogenic SPG7 variant (PMID: 32161564); Identified in an individual with sporadic amyotrophic lateral sclerosis (PMID: 27790088); Nonsense variant predicted to result in protein truncation or nonsense mediated decay in a gene for which loss-of-function is a known mechanism of disease; This variant is associated with the following publications: (PMID: 34374492, 35499206, 27790088, 30098094, 32161564, 34507444)

Department of Pathology and Laboratory Medicine, Sinai Health System
Classification: Pathogenic for Hereditary spastic paraplegia 7. Last evaluated: 2023-01-11. Review status: criteria provided, single submitter. Criteria: ACMG Guidelines, 2015. Collection method: research. Allele origin: germline.

PreventionGenetics, part of Exact Sciences
Classification: Pathogenic for SPG7-related condition. Last evaluated: 2022-12-15. Review status: criteria provided, single submitter. Criteria: ACMG Guidelines, 2015. Collection method: clinical testing. Allele origin: germline.
Comment: The SPG7 c.637C>T variant is predicted to result in premature protein termination (p.Arg213*). This variant has been documented in both the compound heterozygous and heterozygous states in patients with spastic paraplegia 7 (Patient Table S2 in Mancini et al. 2018. PubMed ID: 30098094; Patient CB_3 and CB_4 in Lupo et al. 2020. PubMed ID: 32161564), and found in the compound heterozygous state in a patient with parkinsonism (Bhattacharjee et al. 2021. PubMed ID: 34507444). This variant was also identified in the heterozygous state in a patient with ALS who also had an additional variant in the GARS gene (Patient 385 in Krüger et al. 2016. PubMed ID: 27790088). This variant is reported in 0.038% of alleles in individuals of East Asian descent in gnomAD. Nonsense variants in SPG7 are expected to be pathogenic. This variant is interpreted as pathogenic.

Blueprint Genetics
Classification: Pathogenic for SPG7-related disorders. Last evaluated: 2021-04-14. Review status: criteria provided, single submitter. Criteria: ACMG Guidelines, 2015. Collection method: clinical testing. Allele origin: germline. Affected: yes. Observed: 5 variant alleles.

Genome Diagnostics Laboratory, The Hospital for Sick Children
Classification: Pathogenic for Hereditary spastic paraplegia. Last evaluated: 2020-04-01. Review status: criteria provided, single submitter. Criteria: ACMG Guidelines, 2015. Collection method: clinical testing. Allele origin: germline. Affected: yes.

Eurofins Ntd Llc (ga)
Classification: Pathogenic. Last evaluated: 2015-12-14. Review status: criteria provided, single submitter. Criteria: EGL Classification Definitions 2015. Collection method: clinical testing. Allele origin: germline. Observed: 1 variant allele, 1 heterozygote.

Juno Genomics, Hangzhou Juno Genomics, Inc
Classification: Pathogenic for Hereditary spastic paraplegia 7. Review status: criteria provided, single submitter. Criteria: ACMG Guidelines, 2015. Collection method: clinical testing. Allele origin: germline.
Comment: Absent from controls (or at extremely low frequency if recessive) in Genome Aggregation Database.;Null variant in a gene where loss of function (LOF) is a known mechanism of disease.;For recessive disorders, detected in trans with a pathogenic variant.

Literature cited by the submitters: PubMed 21623769 (cited by Labcorp Genetics (formerly Invitae), Labcorp); PubMed 22964162 (cited by Labcorp Genetics (formerly Invitae), Labcorp); PubMed 30098094 (cited by Labcorp Genetics (formerly Invitae), Labcorp).

NM_003119.4(SPG7):c.637C>T (p.Arg213Ter)

Gene: SPG7 (SPG7 matrix AAA peptidase subunit, paraplegin; plus strand). Cytogenetic location: 16q24.3.
Variant type: single nucleotide variant.
Coding change: c.637C>T on transcript NM_003119.4 (MANE Select); coding-DNA position 637, C replaced by T.
Protein change: p.Arg213Ter; replaces arginine 213 with a stop codon.
Molecular consequence: nonsense.
Genome position (GRCh38, 1-based): chr16:89,526,347, C>T. VCF-style: chr16-89526347-C-T. GRCh37 (hg19) VCF-style: chr16-89592755-C-T.
Other names: c.637C>T, p.Arg213Ter (NM_001363850.1, NM_199367.3); short protein forms R213*.
Identifiers: ClinVar variation 285368 (VCV000285368.32), dbSNP rs774774648, ClinGen allele CA8243731.